The following is an entry in ClinVar:

NM_002181.4(IHH):c.*25G>T

Gene: IHH (Indian hedgehog signaling molecule; minus strand). Cytogenetic location: 2q35.
Variant type: single nucleotide variant.
Coding change: c.*25G>T on transcript NM_002181.4 (MANE Select); 25 bases downstream of the stop codon, G replaced by T.
Molecular consequence: 3 prime UTR variant.
Genome position (GRCh38, 1-based): chr2:219,055,182, C>A on the plus strand (G>T on the coding strand, the complement: IHH is on the minus strand). VCF-style: chr2-219055182-C-A. GRCh37 (hg19) VCF-style: chr2-219919904-C-A.
Identifiers: ClinVar variation 334431 (VCV000334431.9), dbSNP rs76709099, ClinGen allele CA2116501.
Genomic context (GRCh38, chr2:219,055,182, plus strand): 5'-GGTCCCTTCCAGGGCCAGCTCCCTCCTGGCTGAGAGGCTTCTGGACCCAGTACAGCAGTT[C>A]CAGGAGGGCAGCGGTGGAGTCCTTTCAGCTCCCTGCCCCGGACATGCCCAGTGGGTGGAA-3'

ClinVar aggregate classification (germline): Benign. Review status: criteria provided, multiple submitters, no conflicts (2 of 4 stars). 3 submissions from 3 submitters: Benign (3). Last evaluated 2018-11-12.

Conditions:
Brachydactyly type A1. Also called: FARABEE-TYPE BRACHYDACTYLY; SHORT STATURE WITH NONSPECIFIC SKELETAL ABNORMALITIES 2. Identifiers: Orphanet 93388, MedGen C1862151, MONDO:0007215, OMIM 112500, HP:0009371.

Allele frequency attached by ClinVar (database versions not stated): gnomAD 0.00219 and 0.00304; gnomAD exomes 0.00221 and 0.00676; ExAC 0.00356; TOPMed 0.00379; 1000 Genomes Project 30x 0.01202; 1000 Genomes Project 0.01378.

Submissions (3):

GeneDx
Classification: Benign. Last evaluated: 2018-11-12. Review status: criteria provided, single submitter. Criteria: GeneDx Variant Classification Process June 2021. Collection method: clinical testing. Allele origin: germline. Affected: yes.

Illumina Laboratory Services, Illumina
Classification: Benign for Brachydactyly type A1. Last evaluated: 2018-01-13. Review status: criteria provided, single submitter. Criteria: ICSL Variant Classification Criteria 13 December 2019. Collection method: clinical testing. Allele origin: germline.
Comment: This variant was observed in the ICSL laboratory as part of a predisposition screen in an ostensibly healthy population. It had not been previously curated by ICSL or reported in the Human Gene Mutation Database (HGMD: prior to June 1st, 2018), and was therefore a candidate for classification through an automated scoring system. Utilizing variant allele frequency, disease prevalence and penetrance estimates, and inheritance mode, an automated score was calculated to assess if this variant is too frequent to cause the disease. Based on the score and internal cut-off values, a variant classified as benign is not then subjected to further curation. The score for this variant resulted in a classification of benign for this disease.

Breakthrough Genomics
Classification: Benign. Review status: criteria provided, single submitter. Criteria: ACMG Guidelines, 2015. Collection method: not provided. Allele origin: germline. Inheritance: Autosomal recessive inheritance. Affected: yes.